The following is an entry in ClinVar:

ClinVar aggregate classification (germline): Conflicting classifications of pathogenicity. Review status: criteria provided, conflicting classifications (1 of 4 stars). 3 submissions from 3 submitters: Uncertain significance (1); Likely benign (2). Last evaluated 2024-08-22.

Conditions:
Charcot-Marie-Tooth disease axonal type 2S. Also called: CHARCOT-MARIE-TOOTH NEUROPATHY, TYPE 2S; CHARCOT-MARIE-TOOTH DISEASE, AXONAL, AUTOSOMAL RECESSIVE, TYPE 2S. Identifiers: Orphanet 443073, MedGen C4015349, MONDO:0014511, OMIM 616155.
Autosomal recessive distal spinal muscular atrophy 1. Also called: NEURONOPATHY, DISTAL HEREDITARY MOTOR, HARDING TYPE VI; NEUROPATHY, DISTAL HEREDITARY MOTOR, AUTOSOMAL RECESSIVE 1; Spinal muscular atrophy with respiratory distress 1; NEURONOPATHY, SEVERE INFANTILE AXONAL, WITH RESPIRATORY FAILURE; SEVERE INFANTILE AXONAL NEUROPATHY WITH RESPIRATORY FAILURE; SPINAL MUSCULAR ATROPHY, DIAPHRAGMATIC. Identifiers: Orphanet 98920, MedGen C1858517, MONDO:0011436, OMIM 604320.

Allele frequency attached by ClinVar (database versions not stated): gnomAD 0.00004 and 0.00005; TOPMed 0.00004; gnomAD exomes 0.00005; ExAC 0.00008; 1000 Genomes Project 30x 0.00016; 1000 Genomes Project 0.00020.
gnomAD v4.1: 126 of 1,604,954 alleles (0.0079%); highest among the groups gnomAD compares: East Asian, 0.24%; no homozygotes.

Submissions (3):

Labcorp Genetics (formerly Invitae), Labcorp
Classification: Likely benign for Autosomal recessive distal spinal muscular atrophy 1; Charcot-Marie-Tooth disease axonal type 2S. Last evaluated: 2024-08-22. Review status: criteria provided, single submitter. Criteria: Invitae Variant Classification Sherloc (09022015). Collection method: clinical testing. Allele origin: germline.

Illumina Laboratory Services, Illumina
Classification: Uncertain significance for Autosomal recessive distal spinal muscular atrophy 1. Last evaluated: 2018-01-13. Review status: criteria provided, single submitter. Criteria: ICSL Variant Classification Criteria 13 December 2019. Collection method: clinical testing. Allele origin: germline.

GeneDx
Classification: Likely benign. Last evaluated: 2016-01-06. Review status: criteria provided, single submitter. Criteria: GeneDx Variant Classification (06012015). Collection method: clinical testing. Allele origin: germline. Affected: yes.
Comment: This variant is considered likely benign or benign based on one or more of the following criteria: it is a conservative change, it occurs at a poorly conserved position in the protein, it is predicted to be benign by multiple in silico algorithms, and/or has population frequency not consistent with disease.

NM_002180.3(IGHMBP2):c.2784+7C>T

Gene: IGHMBP2 (immunoglobulin mu DNA binding protein 2; plus strand). Cytogenetic location: 11q13.3.
Variant type: single nucleotide variant.
Coding change: c.2784+7C>T on transcript NM_002180.3 (MANE Select); 7 bases into the intron after coding-DNA position 2784, C replaced by T.
Molecular consequence: intron variant.
Genome position (GRCh38, 1-based): chr11:68,938,361, C>T. VCF-style: chr11-68938361-C-T. GRCh37 (hg19) VCF-style: chr11-68705829-C-T.
Identifiers: ClinVar variation 382630 (VCV000382630.12), dbSNP rs58094037, ClinGen allele CA6154003.